The following is an entry in ClinVar:

ClinVar aggregate classification (germline): Uncertain significance. Review status: criteria provided, multiple submitters, no conflicts (2 of 4 stars). 2 submissions from 2 submitters: Uncertain significance (2). Last evaluated 2023-01-27.

Conditions:
DICER1-related tumor predisposition. Also called: DICER1 syndrome; DICER1-related pleuropulmonary blastoma cancer predisposition syndrome. Identifiers: Orphanet 284343, MedGen C3839822, MONDO:0100216.
Hereditary cancer-predisposing syndrome. Also called: Hereditary neoplastic syndrome; Neoplastic Syndromes, Hereditary; Tumor predisposition; Hereditary Cancer Syndrome. Identifiers: Orphanet 140162, MedGen C0027672, MeSH D009386, MONDO:0015356.

Submissions (2):

Ambry Genetics
Classification: Uncertain significance for Hereditary cancer-predisposing syndrome. Last evaluated: 2023-01-27. Review status: criteria provided, single submitter. Criteria: Ambry Variant Classification Scheme 2023. Collection method: clinical testing. Allele origin: germline.
Comment: The p.S1637A variant (also known as c.4909T>G), located in coding exon 22 of the DICER1 gene, results from a T to G substitution at nucleotide position 4909. The serine at codon 1637 is replaced by alanine, an amino acid with similar properties. This amino acid position is conserved. In addition, this alteration is predicted to be tolerated by in silico analysis. Since supporting evidence is limited at this time, the clinical significance of this alteration remains unclear.

Labcorp Genetics (formerly Invitae), Labcorp
Classification: Uncertain significance for DICER1-related tumor predisposition. Last evaluated: 2021-12-11. Review status: criteria provided, single submitter. Criteria: Invitae Variant Classification Sherloc (09022015). Collection method: clinical testing. Allele origin: germline.
Comment: In summary, the available evidence is currently insufficient to determine the role of this variant in disease. Therefore, it has been classified as a Variant of Uncertain Significance. Algorithms developed to predict the effect of missense changes on protein structure and function are either unavailable or do not agree on the potential impact of this missense change (SIFT: "Deleterious"; PolyPhen-2: "Benign"; Align-GVGD: "Class C0"). This variant has not been reported in the literature in individuals affected with DICER1-related conditions. This variant is not present in population databases (gnomAD no frequency). This sequence change replaces serine, which is neutral and polar, with alanine, which is neutral and non-polar, at codon 1637 of the DICER1 protein (p.Ser1637Ala).

NM_177438.3(DICER1):c.4909T>G (p.Ser1637Ala)

Gene: DICER1 (dicer 1, ribonuclease III; minus strand). Cytogenetic location: 14q32.13.
Variant type: single nucleotide variant.
Coding change: c.4909T>G on transcript NM_177438.3 (MANE Select); coding-DNA position 4909, T replaced by G.
Protein change: p.Ser1637Ala; replaces serine 1637 with alanine.
Molecular consequence: missense variant. On other transcripts: non-coding transcript variant (6).
Genome position (GRCh38, 1-based): chr14:95,096,011, A>C on the plus strand (T>G on the coding strand, the complement: DICER1 is on the minus strand). VCF-style: chr14-95096011-A-C. GRCh37 (hg19) VCF-style: chr14-95562348-A-C.
Other names: c.4909T>G, p.Ser1637Ala (NM_001195573.1, NM_001271282.3, NM_001291628.2 and 13 more transcripts); c.4627T>G, p.Ser1543Ala (NM_001395686.1); c.4504T>G, p.Ser1502Ala (NM_001395687.1, NM_001395688.1, NM_001395689.1 and 2 more transcripts); c.4342T>G, p.Ser1448Ala (NM_001395691.1); c.3226T>G, p.Ser1076Ala (NM_001395697.1); short protein forms S1076A, S1637A, S1448A, S1502A, S1543A.
Identifiers: ClinVar variation 1974838 (VCV001974838.7), dbSNP rs2542480991, ClinGen allele CA390866339.